The following is an entry in ClinVar:

NM_000051.4(ATM):c.2765A>G (p.Asp922Gly)

Gene: ATM (ATM serine/threonine kinase; plus strand). Cytogenetic location: 11q22.3.
Variant type: single nucleotide variant.
Coding change: c.2765A>G on transcript NM_000051.4 (MANE Select); coding-DNA position 2765, A replaced by G.
Protein change: p.Asp922Gly; replaces aspartic acid 922 with glycine.
Molecular consequence: missense variant.
Genome position (GRCh38, 1-based): chr11:108,268,536, A>G. VCF-style: chr11-108268536-A-G. GRCh37 (hg19) VCF-style: chr11-108139263-A-G.
Other names: c.2765A>G, p.Asp922Gly (NM_001351834.2); short protein forms D922G.
Identifiers: ClinVar variation 859729 (VCV000859729.9), dbSNP rs1555083339, ClinGen allele CA382545491.
Genomic context (GRCh38, chr11:108,268,536, plus strand): 5'-AGTTCTTGTGTTTGTGTGTAACTACTGCTCAGACCAATACTGTGTCCTTTAGGGCAGCTG[A>G]TATTCGGAGGAAATTGTTAATGTTAATTGATTCTAGCACGCTAGAACCTACCAAATCCCT-3'
Protein context (NP_000042.3, residues 912-932): QTNTVSFRAA[Asp922Gly]IRRKLLMLID

ClinVar aggregate classification (germline): Uncertain significance (1 of 4 stars; one submission).

Conditions:
Ataxia-telangiectasia syndrome (AT). Also called: Ataxia telangiectasia (A-T); Cerebello-oculocutaneous telangiectasia; Immunodeficiency with ataxia telangiectasia; AT, COMPLEMENTATION GROUP C; ATAXIA-TELANGIECTASIA, COMPLEMENTATION GROUP A; ATAXIA-TELANGIECTASIA, FRESNO VARIANT. Identifiers: Orphanet 100, MedGen C0004135, MONDO:0008840, OMIM 208900.

Allele frequency attached by ClinVar (database versions not stated): TOPMed below 0.00001.

Submission:

Labcorp Genetics (formerly Invitae), Labcorp
Classification: Uncertain significance for Ataxia-telangiectasia syndrome. Last evaluated: 2019-11-21. Review status: criteria provided, single submitter. Criteria: Invitae Variant Classification Sherloc (09022015). Collection method: clinical testing. Allele origin: germline.
Comment: Algorithms developed to predict the effect of missense changes on protein structure and function are either unavailable or do not agree on the potential impact of this missense change (SIFT: "Tolerated"; PolyPhen-2: "Probably Damaging"; Align-GVGD: "Class C0"). This variant has not been reported in the literature in individuals with ATM-related conditions. This variant is not present in population databases (ExAC no frequency). This sequence change replaces aspartic acid with glycine at codon 922 of the ATM protein (p.Asp922Gly). The aspartic acid residue is moderately conserved and there is a moderate physicochemical difference between aspartic acid and glycine. In summary, the available evidence is currently insufficient to determine the role of this variant in disease. Therefore, it has been classified as a Variant of Uncertain Significance. Algorithms developed to predict the effect of sequence changes on RNA splicing suggest that this variant may create or strengthen a splice site, but this prediction has not been confirmed by published transcriptional studies.